The following is an entry in ClinVar:

NM_024675.4(PALB2):c.304del (p.Val102fs)

Gene: PALB2 (partner and localizer of BRCA2; minus strand). Cytogenetic location: 16p12.2.
Variant type: Deletion.
Coding change: c.304del on transcript NM_024675.4 (MANE Select); coding-DNA position 304, one base deleted (G; older notation c.304delG).
Protein change: p.Val102fs; shifts the reading frame from valine 102.
Molecular consequence: frameshift variant. On other transcripts: 5 prime UTR variant (8), intron variant (3).
Genome position (GRCh38, 1-based): chr16:23,636,242, C deleted on the plus strand (G on the coding strand, the reverse complement: PALB2 is on the minus strand). VCF-style (leftmost placement, unchanged base first): chr16-23636241-AC-A. GRCh37 (hg19) VCF-style: chr16-23647562-AC-A.
Other names: c.244del, p.Val82fs (NM_001407296.1); c.304del, p.Val102fs (NM_001407297.1, NM_001407298.1, NM_001407299.1 and 3 more transcripts); c.-582del (NM_001407304.1, NM_001407305.1, NM_001407306.1 and 5 more transcripts); c.48+4868del (NM_001407314.1); c.-105+4868del (NM_001407313.1, NM_001407312.1); short protein forms V82fs, V102fs.
Identifiers: ClinVar variation 3413414 (VCV003413414.3).
Genomic context (GRCh38, chr16:23,636,241, plus strand): 5'-TCTGTTCTTTGTATAGGTAATCCTCCTGGGCCATCTCCAGGGTTAAAGGACTCAGGCCCA[AC>A]ATCAAGTGTGATAGATGTCTTTTCTCCAGTTTCTTCATCAAGATGGGTTTTGATGTGTAA-3'

ClinVar aggregate classification (germline): Pathogenic. Review status: criteria provided, multiple submitters, no conflicts (2 of 4 stars). 3 submissions from 3 submitters: Pathogenic (3). Last evaluated 2026-08-10.

Conditions:
Hereditary cancer-predisposing syndrome. Also called: Neoplastic Syndromes, Hereditary; Tumor predisposition; Hereditary neoplastic syndrome; Hereditary Cancer Syndrome. Identifiers: Orphanet 140162, MedGen C0027672, MeSH D009386, MONDO:0015356.
Familial cancer of breast. Also called: BREAST CANCER, FAMILIAL; Hereditary breast cancer; hereditary breast carcinoma. Identifiers: Orphanet 227535, MedGen C0346153, MONDO:0016419, OMIM 114480. Disease mechanism: loss of function.

Submissions (3):

Myriad Genetics, Inc.
Classification: Pathogenic for Familial cancer of breast. Last evaluated: 2026-08-10. Review status: criteria provided, single submitter. Criteria: Myriad Autosomal Dominant, Autosomal Recessive and X-Linked Classification Criteria (2023). Collection method: clinical testing. Allele origin: unknown.
Comment: This variant is considered pathogenic. This variant creates a frameshift predicted to result in premature protein truncation.

Ambry Genetics
Classification: Pathogenic for Hereditary cancer-predisposing syndrome. Last evaluated: 2024-06-26. Review status: criteria provided, single submitter. Criteria: Ambry Variant Classification Scheme 2023. Collection method: clinical testing. Allele origin: germline.
Comment: The c.304delG pathogenic mutation, located in coding exon 4 of the PALB2 gene, results from a deletion of one nucleotide at nucleotide position 304, causing a translational frameshift with a predicted alternate stop codon (p.V102Lfs*75). This variant is considered to be rare based on population cohorts in the Genome Aggregation Database (gnomAD). This alteration is expected to result in loss of function by premature protein truncation or nonsense-mediated mRNA decay. As such, this alteration is interpreted as a disease-causing mutation.

Molecular Pathology, Peter Maccallum Cancer Centre
Classification: Pathogenic for Familial cancer of breast. Last evaluated: 2024-03-01. Review status: criteria provided, single submitter. Criteria: ACMG Guidelines, 2015. Collection method: clinical testing. Allele origin: germline. Inheritance: Autosomal dominant inheritance.